The following is an entry in ClinVar:

NC_000023.11:g.(?_32844773)_(32849830_?)del

Gene: DMD (dystrophin; minus strand). Cytogenetic location: Xp21.1.
Variant type: Deletion.
Identifiers: ClinVar variation 647964 (VCV000647964.2).

ClinVar aggregate classification (germline): Pathogenic (1 of 4 stars; one submission).

Conditions:
Duchenne muscular dystrophy (DMD). Also called: MUSCULAR DYSTROPHY, PSEUDOHYPERTROPHIC PROGRESSIVE, DUCHENNE TYPE; Duchenne Muscular Dystrophy (DMD). Identifiers: Orphanet 98896, MedGen C0013264, MONDO:0010679, OMIM 310200.

Submission:

Labcorp Genetics (formerly Invitae), Labcorp
Classification: Pathogenic for Duchenne muscular dystrophy. Last evaluated: 2020-01-07. Review status: criteria provided, single submitter. Criteria: Invitae Variant Classification Sherloc (09022015). Collection method: clinical testing. Allele origin: germline.
Comment: This variant is an in-frame deletion of the genomic region encompassing exons 3-4 of the DMD gene. It preserves the integrity of the reading frame. Similar deletions of exons 3-4 have been observed in several individuals affected with DMD-related dystrophinopathies (PMID: 8149204, 12324874, 15723292). For these reasons, this variant has been classified as Pathogenic.

Literature cited by the submitters: PubMed 12324874; PubMed 15723292; PubMed 8149204.